The following is an entry in ClinVar:

ClinVar aggregate classification (germline): Uncertain significance (1 of 4 stars; one submission).

Allele frequency attached by ClinVar (database versions not stated): gnomAD exomes below 0.00001.
gnomAD v4.1: 1 of 1,582,422 alleles (0.000063%); highest among the groups gnomAD compares: Admixed American, 0.0018%; no homozygotes.

Submission:

Labcorp Genetics (formerly Invitae), Labcorp
Classification: Uncertain significance. Last evaluated: 2023-10-09. Review status: criteria provided, single submitter. Criteria: Invitae Variant Classification Sherloc (09022015). Collection method: clinical testing. Allele origin: germline.
Comment: This sequence change replaces asparagine, which is neutral and polar, with serine, which is neutral and polar, at codon 1092 of the SUCO protein (p.Asn1092Ser). This variant is present in population databases (no rsID available, gnomAD 0.003%). This variant has not been reported in the literature in individuals affected with SUCO-related conditions. Algorithms developed to predict the effect of missense changes on protein structure and function output the following: SIFT: "Not Available"; PolyPhen-2: "Benign"; Align-GVGD: "Not Available". The serine amino acid residue is found in multiple mammalian species, which suggests that this missense change does not adversely affect protein function. In summary, the available evidence is currently insufficient to determine the role of this variant in disease. Therefore, it has been classified as a Variant of Uncertain Significance.

NM_014283.5(SUCO):c.3275A>G (p.Asn1092Ser)

Gene: SUCO (SUN domain containing ossification factor; plus strand). Cytogenetic location: 1q24.3.
Variant type: single nucleotide variant.
Coding change: c.3275A>G on transcript NM_014283.5 (MANE Select); coding-DNA position 3275, A replaced by G.
Protein change: p.Asn1092Ser; replaces asparagine 1092 with serine.
Molecular consequence: missense variant.
Genome position (GRCh38, 1-based): chr1:172,608,756, A>G. VCF-style: chr1-172608756-A-G. GRCh37 (hg19) VCF-style: chr1-172577896-A-G.
Other names: c.2162A>G, p.Asn721Ser (NM_001282750.2); c.1586A>G, p.Asn529Ser (NM_001282751.2); c.3728A>G, p.Asn1243Ser (NM_016227.4); short protein forms N1243S, N1092S, N529S, N721S.
Identifiers: ClinVar variation 2960303 (VCV002960303.3), dbSNP rs1183894484, ClinGen allele CA343751309.
Genomic context (GRCh38, chr1:172,608,756, plus strand): 5'-ACCAAATCCACTTTACATTTTACATCTGCTTTTTTTTTTTTTTACTTACAGTAGACCCAA[A>G]TGATTTGTACATTGTAGAACCCCTCAAGTTTTCTCCAGAAAAGAAGGTAATTGTTTATTT-3'
Protein context (NP_055098.1, residues 1082-1102): LQLTGKEVDP[Asn1092Ser]DLYIVEPLKF